The following is an entry in ClinVar:

NM_198252.3(GSN):c.855C>T (p.His285=)

Gene: GSN (gelsolin; plus strand). Cytogenetic location: 9q33.2.
Variant type: single nucleotide variant.
Coding change: c.855C>T on transcript NM_198252.3 (MANE Select); coding-DNA position 855, C replaced by T.
Protein change: p.His285=; no amino-acid change (histidine 285 retained).
Molecular consequence: synonymous variant.
Genome position (GRCh38, 1-based): chr9:121,317,187, C>T. VCF-style: chr9-121317187-C-T. GRCh37 (hg19) VCF-style: chr9-124079465-C-T.
Other names: c.1008C>T (NM_000177.4); c.1008C>T, p.His336= (NM_000177.5); c.855C>T, p.His285= (NM_001127662.2, NM_001127664.2, NM_001127665.2 and 10 more transcripts); c.963C>T, p.His321= (NM_001127663.2); c.888C>T, p.His296= (NM_001127666.2, NM_001127667.2, NM_001353063.2 and 13 more transcripts); c.906C>T, p.His302= (NM_001258029.2); c.879C>T, p.His293= (NM_001258030.2); c.927C>T, p.His309= (NM_001353076.2); and 1 more.
Identifiers: ClinVar variation 2084992 (VCV002084992.5), dbSNP rs374571846, ClinGen allele CA5221060.

ClinVar aggregate classification (germline): Likely benign. Review status: criteria provided, multiple submitters, no conflicts (2 of 4 stars). 2 submissions from 2 submitters: Likely benign (2). Last evaluated 2026-03-16.

Conditions:
GSN-related disorder. Also called: GSN-related condition.

Allele frequency attached by ClinVar (database versions not stated): gnomAD exomes 0.00002; ExAC 0.00005; gnomAD 0.00007; ESP Exome Variant Server 0.00008; TOPMed 0.00010; 1000 Genomes Project 30x 0.00031.
gnomAD v4.1: 45 of 1,614,142 alleles (0.0028%); highest among the groups gnomAD compares: Admixed American, 0.02%; no homozygotes.

Submissions (2):

PreventionGenetics, part of Exact Sciences
Classification: Likely benign for GSN-related condition. Last evaluated: 2026-03-16. Review status: criteria provided, single submitter. Criteria: ACMG Guidelines, 2015. Collection method: clinical testing. Allele origin: germline.
Comment: This variant is classified as likely benign based on ACMG/AMP sequence variant interpretation guidelines (Richards et al. 2015 PMID: 25741868, with internal and published modifications).

Labcorp Genetics (formerly Invitae), Labcorp
Classification: Likely benign. Last evaluated: 2025-08-18. Review status: criteria provided, single submitter. Criteria: Invitae Variant Classification Sherloc (09022015). Collection method: clinical testing. Allele origin: germline.